The following is an entry in ClinVar:

ClinVar aggregate classification (germline): Uncertain significance. Review status: criteria provided, multiple submitters, no conflicts (2 of 4 stars). 4 submissions from 4 submitters: Uncertain significance (4). Last evaluated 2025-02-08.

Conditions:
Inborn genetic diseases. Identifiers: MedGen C0950123, MeSH D030342.

Allele frequency attached by ClinVar (database versions not stated): gnomAD 0.00005; ExAC 0.00006; TOPMed 0.00007; gnomAD exomes 0.00010.
gnomAD v4.1: 149 of 1,612,580 alleles (0.0092%); highest among the groups gnomAD compares: South Asian, 0.015%; no homozygotes.

Submissions (4):

Dasa
Classification: Uncertain significance. Last evaluated: 2025-02-08. Review status: criteria provided, single submitter. Criteria: DASA Assertion Criteria. Collection method: clinical testing. Allele origin: germline.
Comment: NM_003052.5(SLC34A1):c.208C>T (p.Arg70Cys) is a missense variant that results in the substitution of arginine with cysteine. This variant is rare in population databases. Computational prediction algorithms are consistent with a benign effect. The currently available literature and clinical evidence are not sufficient to establish a definitive association between this variant and the reported condition. Therefore, this variant is classified as a variant of uncertain significance.

Blueprint Genetics
Classification: Uncertain significance. Last evaluated: 2023-09-23. Review status: criteria provided, single submitter. Criteria: ACMG Guidelines, 2015. Collection method: clinical testing. Allele origin: germline.

Labcorp Genetics (formerly Invitae), Labcorp
Classification: Uncertain significance. Last evaluated: 2023-07-28. Review status: criteria provided, single submitter. Criteria: Invitae Variant Classification Sherloc (09022015). Collection method: clinical testing. Allele origin: germline.
Comment: In summary, the available evidence is currently insufficient to determine the role of this variant in disease. Therefore, it has been classified as a Variant of Uncertain Significance. Algorithms developed to predict the effect of missense changes on protein structure and function output the following: SIFT: "Not Available"; PolyPhen-2: "Benign"; Align-GVGD: "Not Available". The cysteine amino acid residue is found in multiple mammalian species, which suggests that this missense change does not adversely affect protein function. ClinVar contains an entry for this variant (Variation ID: 2386267). This variant has not been reported in the literature in individuals affected with SLC34A1-related conditions. This variant is present in population databases (rs555745004, gnomAD 0.01%). This sequence change replaces arginine, which is basic and polar, with cysteine, which is neutral and slightly polar, at codon 70 of the SLC34A1 protein (p.Arg70Cys).

Ambry Genetics
Classification: Uncertain significance for Inborn genetic diseases. Last evaluated: 2021-07-27. Review status: criteria provided, single submitter. Criteria: Ambry Variant Classification Scheme 2023. Collection method: clinical testing. Allele origin: germline.

NM_003052.5(SLC34A1):c.208C>T (p.Arg70Cys)

Gene: SLC34A1 (solute carrier family 34 member 1; plus strand). Cytogenetic location: 5q35.3.
Variant type: single nucleotide variant.
Coding change: c.208C>T on transcript NM_003052.5 (MANE Select); coding-DNA position 208, C replaced by T.
Protein change: p.Arg70Cys; replaces arginine 70 with cysteine.
Molecular consequence: missense variant.
Genome position (GRCh38, 1-based): chr5:177,386,085, C>T. VCF-style: chr5-177386085-C-T. GRCh37 (hg19) VCF-style: chr5-176813086-C-T.
Other names: c.208C>T (NM_003052.4); c.208C>T, p.Arg70Cys (NM_001167579.2); short protein forms R70C.
Identifiers: ClinVar variation 2386267 (VCV002386267.10), dbSNP rs555745004, ClinGen allele CA3580297.